The following is an entry in ClinVar:

ClinVar aggregate classification (germline): Uncertain significance (1 of 4 stars; one submission).

Submission:

Ambry Genetics
Classification: Uncertain significance. Last evaluated: 2024-06-26. Review status: criteria provided, single submitter. Criteria: Ambry Variant Classification Scheme 2023. Collection method: clinical testing. Allele origin: germline.
Comment: The p.S894P variant (also known as c.2680T>C), located in coding exon 13 of the NPAT gene, results from a T to C substitution at nucleotide position 2680. The serine at codon 894 is replaced by proline, an amino acid with similar properties. This amino acid position is conserved. In addition, this alteration is predicted to be tolerated by in silico analysis. Based on the available evidence, the clinical significance of this variant remains unclear.

NM_002519.3(NPAT):c.2680T>C (p.Ser894Pro)

Gene: NPAT (nuclear protein, coactivator of histone transcription; minus strand). Cytogenetic location: 11q22.3.
Variant type: single nucleotide variant.
Coding change: c.2680T>C on transcript NM_002519.3 (MANE Select); coding-DNA position 2680, T replaced by C.
Protein change: p.Ser894Pro; replaces serine 894 with proline.
Molecular consequence: missense variant.
Genome position (GRCh38, 1-based): chr11:108,172,304, A>G on the plus strand (T>C on the coding strand, the complement: NPAT is on the minus strand). VCF-style: chr11-108172304-A-G. GRCh37 (hg19) VCF-style: chr11-108043031-A-G.
Other names: c.2680T>C, p.Ser894Pro (NM_001321307.1); short protein forms S894P.
Identifiers: ClinVar variation 3407160 (VCV003407160.1).